The following is an entry in ClinVar:

ClinVar aggregate classification (germline): Uncertain significance (1 of 4 stars; one submission).

Allele frequency attached by ClinVar (database versions not stated): gnomAD exomes below 0.00001; TOPMed below 0.00001; ExAC 0.00001.
gnomAD v4.1: 3 of 1,613,892 alleles (0.00019%); highest among the groups gnomAD compares: Non-Finnish European, 0.00017%; no homozygotes.

Submission:

Labcorp Genetics (formerly Invitae), Labcorp
Classification: Uncertain significance. Last evaluated: 2023-07-02. Review status: criteria provided, single submitter. Criteria: Invitae Variant Classification Sherloc (09022015). Collection method: clinical testing. Allele origin: germline.
Comment: In summary, the available evidence is currently insufficient to determine the role of this variant in disease. Therefore, it has been classified as a Variant of Uncertain Significance. An algorithm developed to predict the effect of missense changes on protein structure and function (PolyPhen-2) suggests that this variant is likely to be tolerated. This variant has not been reported in the literature in individuals affected with MS4A1-related conditions. This variant is present in population databases (rs757004270, gnomAD 0.002%). This sequence change replaces threonine, which is neutral and polar, with isoleucine, which is neutral and non-polar, at codon 159 of the MS4A1 protein (p.Thr159Ile).

NM_152866.3(MS4A1):c.476C>T (p.Thr159Ile)

Gene: MS4A1 (membrane spanning 4-domains A1; plus strand). Cytogenetic location: 11q12.2.
Variant type: single nucleotide variant.
Coding change: c.476C>T on transcript NM_152866.3 (MANE Select); coding-DNA position 476, C replaced by T.
Protein change: p.Thr159Ile; replaces threonine 159 with isoleucine.
Molecular consequence: missense variant.
Genome position (GRCh38, 1-based): chr11:60,466,060, C>T. VCF-style: chr11-60466060-C-T. GRCh37 (hg19) VCF-style: chr11-60233533-C-T.
Other names: c.476C>T, p.Thr159Ile (NM_021950.4, NM_152867.2); short protein forms T159I.
Identifiers: ClinVar variation 2985439 (VCV002985439.3), dbSNP rs757004270, ClinGen allele CA6024993.